The following is an entry in ClinVar:

ClinVar aggregate classification (germline): Likely pathogenic (1 of 4 stars; one submission).

Conditions:
Hereditary acrodermatitis enteropathica (AEZ). Also called: Acrodermatitis enteropathica. Identifiers: Orphanet 37, MedGen C0221036, MONDO:0008713, OMIM 201100.

Submission:

Natera, Inc.
Classification: Likely pathogenic for Acrodermatitis enteropathica. Last evaluated: 2024-08-22. Review status: criteria provided, single submitter. Criteria: Natera Variant Classification Schema (03/2026). Collection method: clinical testing. Allele origin: germline.
Comment: The c.1700_1701dup variant in SLC39A4 is a frameshift variant predicted to shift the reading frame beginning at codon 568 and leads to a stop codon 34 codons downstream. This variant is expected to result in nonsense mediated decay, truncation, or a dysfunctional protein product. This variant is rare in the general population with a frequency below the threshold expected for the associated phenotype(s). Given the available evidence, this variant is classified as Likely Pathogenic.

NM_130849.4(SLC39A4):c.1700_1701dup (p.Thr568fs)

Gene: SLC39A4 (solute carrier family 39 member 4; minus strand). Cytogenetic location: 8q24.3.
Variant type: Duplication.
Coding change: c.1700_1701dup on transcript NM_130849.4 (MANE Select); coding-DNA positions 1700 to 1701, 2 bases duplicated (TC; older notation c.1700_1701dupTC).
Protein change: p.Thr568fs; shifts the reading frame from threonine 568.
Molecular consequence: frameshift variant.
Genome position (GRCh38, 1-based): chr8:144,412,873-144,412,874, GA duplicated on the plus strand (TC on the coding strand, the reverse complement: SLC39A4 is on the minus strand); duplicating any 2 consecutive bases within chr8:144,412,873-144,412,875 gives the same sequence; the c. name uses the placement nearest the transcript's 3' end. VCF-style (leftmost placement, unchanged base first): chr8-144412872-T-TGA. GRCh37 (hg19) VCF-style: chr8-145638256-T-TGA.
Other names: c.206_207dup, p.Thr70fs (NM_001280557.2); c.1418_1419dup, p.Thr474fs (NM_001374839.1); c.1625_1626dup, p.Thr543fs (NM_017767.3); short protein forms T474fs, T543fs, T568fs, T70fs.
Identifiers: ClinVar variation 4816459 (VCV004816459.1).
Genomic context (GRCh38, chr8:144,412,872, plus strand): 5'-AGGCCTCGCTCTCCTCGCTGACTCCAACCGCGAGTGCCACGTAGAGACCAGCGAAGGCCG[T>TGA]GAGCGCGGAGGCCAGGTTCAGCAGCAGTGCTTGGCGCACGGACAGCCCCGCGTGCAGCAA-3'